The following is an entry in ClinVar:

NM_201269.3(ZNF644):c.2603A>G (p.Asp868Gly)

Gene: ZNF644 (zinc finger protein 644; minus strand). Cytogenetic location: 1p22.2.
Variant type: single nucleotide variant.
Coding change: c.2603A>G on transcript NM_201269.3 (MANE Select); coding-DNA position 2603, A replaced by G.
Protein change: p.Asp868Gly; replaces aspartic acid 868 with glycine.
Molecular consequence: missense variant. On other transcripts: intron variant (2).
Genome position (GRCh38, 1-based): chr1:90,938,751, T>C on the plus strand (A>G on the coding strand, the complement: ZNF644 is on the minus strand). VCF-style: chr1-90938751-T-C. GRCh37 (hg19) VCF-style: chr1-91404308-T-C.
Other names: c.23-20597A>G (NM_032186.5, NM_016620.4); short protein forms D868G.
Identifiers: ClinVar variation 2383188 (VCV002383188.3), dbSNP rs766555179, ClinGen allele CA944934.

ClinVar aggregate classification (germline): Uncertain significance. Review status: criteria provided, multiple submitters, no conflicts (2 of 4 stars). 2 submissions from 2 submitters: Uncertain significance (2). Last evaluated 2026-08-01.

Conditions:
ZNF644-related disorder. Also called: ZNF644-related condition.

Allele frequency attached by ClinVar (database versions not stated): ExAC 0.00002; gnomAD 0.00004.
gnomAD v4.1: 60 of 1,613,628 alleles (0.0037%); highest among the groups gnomAD compares: Admixed American, 0.0067%; no homozygotes.

Submissions (2):

PreventionGenetics, part of Exact Sciences
Classification: Uncertain significance for ZNF644-related condition. Last evaluated: 2026-08-01. Review status: criteria provided, single submitter. Criteria: ACMG Guidelines, 2015. Collection method: clinical testing. Allele origin: germline.
Comment: The ZNF644 c.2603A>G variant is predicted to result in the amino acid substitution p.Asp868Gly. To our knowledge, this variant has not been reported in the literature. This variant is reported in 0.0056% of alleles in individuals of Latino descent in gnomAD. Although we suspect that this variant may be benign, at this time, the clinical significance of this variant is uncertain due to the absence of conclusive functional and genetic evidence.

Ambry Genetics
Classification: Uncertain significance. Last evaluated: 2021-07-14. Review status: criteria provided, single submitter. Criteria: Ambry Variant Classification Scheme 2023. Collection method: clinical testing. Allele origin: germline.